The following is an entry in ClinVar:

ClinVar aggregate classification (germline): Uncertain significance. Review status: criteria provided, multiple submitters, no conflicts (2 of 4 stars). 2 submissions from 2 submitters: Uncertain significance (2). Last evaluated 2025-08-20.

Conditions:
Hereditary cancer-predisposing syndrome. Also called: Hereditary Cancer Syndrome; Neoplastic Syndromes, Hereditary; Tumor predisposition; Hereditary neoplastic syndrome. Identifiers: Orphanet 140162, MedGen C0027672, MeSH D009386, MONDO:0015356.

Allele frequency attached by ClinVar (database versions not stated): TOPMed below 0.00001; gnomAD 0.00001.
gnomAD v4.1: 1 of 1,613,976 alleles (0.000062%); highest among the groups gnomAD compares: African/African-American, 0.0013%; no homozygotes.

Submissions (2):

Ambry Genetics
Classification: Uncertain significance for Hereditary cancer-predisposing syndrome. Last evaluated: 2025-08-20. Review status: criteria provided, single submitter. Criteria: Ambry Variant Classification Scheme 2023. Collection method: clinical testing. Allele origin: germline.
Comment: The p.F2050L variant (also known as c.6150C>A), located in coding exon 45 of the POLE gene, results from a C to A substitution at nucleotide position 6150. The phenylalanine at codon 2050 is replaced by leucine, an amino acid with highly similar properties. This amino acid position is conserved. In addition, the in silico prediction for this alteration is inconclusive. Based on the available evidence, the clinical significance of this variant remains unclear.

Labcorp Genetics (formerly Invitae), Labcorp
Classification: Uncertain significance. Last evaluated: 2023-03-09. Review status: criteria provided, single submitter. Criteria: Invitae Variant Classification Sherloc (09022015). Collection method: clinical testing. Allele origin: germline.
Comment: This sequence change replaces phenylalanine, which is neutral and non-polar, with leucine, which is neutral and non-polar, at codon 2050 of the POLE protein (p.Phe2050Leu). This variant is not present in population databases (gnomAD no frequency). This variant has not been reported in the literature in individuals affected with POLE-related conditions. Advanced modeling of protein sequence and biophysical properties (such as structural, functional, and spatial information, amino acid conservation, physicochemical variation, residue mobility, and thermodynamic stability) performed at Invitae indicates that this missense variant is not expected to disrupt POLE protein function. In summary, the available evidence is currently insufficient to determine the role of this variant in disease. Therefore, it has been classified as a Variant of Uncertain Significance.

NM_006231.4(POLE):c.6150C>A (p.Phe2050Leu)

Gene: POLE (DNA polymerase epsilon, catalytic subunit; minus strand). Cytogenetic location: 12q24.33.
Variant type: single nucleotide variant.
Coding change: c.6150C>A on transcript NM_006231.4 (MANE Select); coding-DNA position 6150, C replaced by A.
Protein change: p.Phe2050Leu; replaces phenylalanine 2050 with leucine.
Molecular consequence: missense variant.
Genome position (GRCh38, 1-based): chr12:132,632,495, G>T on the plus strand (C>A on the coding strand, the complement: POLE is on the minus strand). VCF-style: chr12-132632495-G-T. GRCh37 (hg19) VCF-style: chr12-133209081-G-T.
Other names: c.6150C>A (NM_006231.2); short protein forms F2050L.
Identifiers: ClinVar variation 3004425 (VCV003004425.4), dbSNP rs1555220911, ClinGen allele CA387370033.